The following is an entry in ClinVar:

ClinVar aggregate classification (germline): Uncertain significance. Review status: criteria provided, multiple submitters, no conflicts (2 of 4 stars). 2 submissions from 2 submitters: Uncertain significance (2). Last evaluated 2025-06-19.

Allele frequency attached by ClinVar (database versions not stated): gnomAD exomes 0.00001.
gnomAD v4.1: 21 of 1,613,968 alleles (0.0013%); highest among the groups gnomAD compares: Middle Eastern, 0.016%; no homozygotes.

Submissions (2):

Ambry Genetics
Classification: Uncertain significance. Last evaluated: 2025-06-19. Review status: criteria provided, single submitter. Criteria: Ambry Variant Classification Scheme 2023. Collection method: clinical testing. Allele origin: germline.

Labcorp Genetics (formerly Invitae), Labcorp
Classification: Uncertain significance. Last evaluated: 2023-10-13. Review status: criteria provided, single submitter. Criteria: Invitae Variant Classification Sherloc (09022015). Collection method: clinical testing. Allele origin: germline.
Comment: This sequence change replaces proline, which is neutral and non-polar, with threonine, which is neutral and polar, at codon 586 of the FCHO1 protein (p.Pro586Thr). This variant is present in population databases (no rsID available, gnomAD 0.007%). This variant has not been reported in the literature in individuals affected with FCHO1-related conditions. ClinVar contains an entry for this variant (Variation ID: 1380977). An algorithm developed to predict the effect of missense changes on protein structure and function (PolyPhen-2) suggests that this variant is likely to be disruptive. In summary, the available evidence is currently insufficient to determine the role of this variant in disease. Therefore, it has been classified as a Variant of Uncertain Significance.

NM_015122.3(FCHO1):c.1756C>A (p.Pro586Thr)

Gene: FCHO1 (FCH and mu domain containing endocytic adaptor 1; plus strand). Cytogenetic location: 19p13.11.
Variant type: single nucleotide variant.
Coding change: c.1756C>A on transcript NM_015122.3 (MANE Select); coding-DNA position 1756, C replaced by A.
Protein change: p.Pro586Thr; replaces proline 586 with threonine.
Molecular consequence: missense variant. On other transcripts: non-coding transcript variant (36).
Genome position (GRCh38, 1-based): chr19:17,781,467, C>A. VCF-style: chr19-17781467-C-A. GRCh37 (hg19) VCF-style: chr19-17892276-C-A.
Other names: c.1639C>A, p.Pro547Thr (NM_001384392.1, NM_001384393.1, NM_001384394.1 and 1 more transcripts); c.1480C>A, p.Pro494Thr (NM_001384396.1, NM_001384397.1, NM_001384398.1 and 5 more transcripts); c.1756C>A (NM_001161357.1); c.1756C>A, p.Pro586Thr (NM_001161357.2, NM_001161358.2, NM_001384370.1 and 13 more transcripts); c.1606C>A, p.Pro536Thr (NM_001161359.2, NM_001384384.1, NM_001384385.1 and 1 more transcripts); c.1717C>A, p.Pro573Thr (NM_001384388.1, NM_001384389.1, NM_001384405.1); c.1681C>A, p.Pro561Thr (NM_001384390.1); c.1435C>A, p.Pro479Thr (NM_001384403.1); and 2 more; short protein forms P561T, P586T, P536T, P547T, P573T, P396T, P444T, P479T.
Identifiers: ClinVar variation 1380977 (VCV001380977.8), dbSNP rs1232836719, ClinGen allele CA404754787.